The following is an entry in ClinVar:

ClinVar aggregate classification (germline): Uncertain significance (1 of 4 stars; one submission).

Submission:

Labcorp Genetics (formerly Invitae), Labcorp
Classification: Uncertain significance. Last evaluated: 2022-11-08. Review status: criteria provided, single submitter. Criteria: Invitae Variant Classification Sherloc (09022015). Collection method: clinical testing. Allele origin: germline.
Comment: In summary, the available evidence is currently insufficient to determine the role of this variant in disease. Therefore, it has been classified as a Variant of Uncertain Significance. Experimental studies and prediction algorithms are not available or were not evaluated, and the functional significance of this variant is currently unknown. This variant has not been reported in the literature in individuals affected with GRM1-related conditions. This variant is not present in population databases (gnomAD no frequency). This variant, c.901_909del, results in the deletion of 3 amino acid(s) of the GRM1 protein (p.Ser301_Met303del), but otherwise preserves the integrity of the reading frame.

NM_001278064.2(GRM1):c.901_909del (p.Ser301_Met303del)

Gene: GRM1 (glutamate metabotropic receptor 1; plus strand). Cytogenetic location: 6q24.3.
Variant type: Deletion.
Coding change: c.901_909del on transcript NM_001278064.2 (MANE Select); coding-DNA positions 901 to 909, 9 bases deleted (AGCGCCATG; older notation c.901_909delAGCGCCATG).
Protein change: p.Ser301_Met303del.
Molecular consequence: inframe deletion.
Genome position (GRCh38, 1-based): chr6:146,159,548-146,159,556, AGCGCCATG deleted; deleting any 9 consecutive bases within chr6:146,159,546-146,159,556 gives the same sequence; the c. name uses the placement nearest the transcript's 3' end. VCF-style (leftmost placement, unchanged base first): chr6-146159545-CTGAGCGCCA-C. GRCh37 (hg19) VCF-style: chr6-146480681-CTGAGCGCCA-C.
Other names: c.901_909del, p.Ser301_Met303del (NM_001278065.2, NM_001278066.1, NM_001278067.1).
Identifiers: ClinVar variation 2119476 (VCV002119476.4), dbSNP rs2483046691, ClinGen allele CA2580075180.